The following is an entry in ClinVar:

NM_002087.4(GRN):c.518T>G (p.Leu173Arg)

Gene: GRN (granulin precursor; plus strand). Cytogenetic location: 17q21.31.
Variant type: single nucleotide variant.
Coding change: c.518T>G on transcript NM_002087.4 (MANE Select); coding-DNA position 518, T replaced by G.
Protein change: p.Leu173Arg; replaces leucine 173 with arginine.
Molecular consequence: missense variant.
Genome position (GRCh38, 1-based): chr17:44,350,497, T>G. VCF-style: chr17-44350497-T-G. GRCh37 (hg19) VCF-style: chr17-42427865-T-G.
Other names: short protein forms L173R.
Identifiers: ClinVar variation 4982691 (VCV004982691.1).
Genomic context (GRCh38, chr17:44,350,497, plus strand): 5'-CTCAGGCTTCCTGCTGTGAAGACAGGGTGCACTGCTGTCCGCACGGTGCCTTCTGCGACC[T>G]GGTTCACACCCGCTGCATCACACCCACGGGCACCCACCCCCTGGCAAAGAAGCTCCCTGC-3'
Protein context (NP_002078.1, residues 163-183): HCCPHGAFCD[Leu173Arg]VHTRCITPTG

ClinVar aggregate classification (germline): Uncertain significance (1 of 4 stars; one submission).

Conditions:
GRN-related disorder. Also called: GRN-related condition; GRN-related disorders.

Submission:

PreventionGenetics, part of Exact Sciences
Classification: Uncertain significance for GRN-related condition. Last evaluated: 2026-02-26. Review status: criteria provided, single submitter. Criteria: ACMG Guidelines, 2015. Collection method: clinical testing. Allele origin: germline.
Comment: The GRN c.518T>G variant is predicted to result in the amino acid substitution p.Leu173Arg. To our knowledge, this variant has not been reported in the literature. This variant is reported in 0.0% of alleles in individuals of African descent in gnomAD. At this time, the clinical significance of this variant is uncertain due to the absence of conclusive functional and genetic evidence.